The following is an entry in ClinVar:

NM_005002.5(NDUFA9):c.796G>A (p.Val266Ile)

Gene: NDUFA9 (NADH:ubiquinone oxidoreductase subunit A9; plus strand). Cytogenetic location: 12p13.32.
Variant type: single nucleotide variant.
Coding change: c.796G>A on transcript NM_005002.5 (MANE Select); coding-DNA position 796, G replaced by A.
Protein change: p.Val266Ile; replaces valine 266 with isoleucine.
Molecular consequence: missense variant.
Genome position (GRCh38, 1-based): chr12:4,669,813, G>A. VCF-style: chr12-4669813-G-A. GRCh37 (hg19) VCF-style: chr12-4778979-G-A.
Other names: short protein forms V266I.
Identifiers: ClinVar variation 1712120 (VCV001712120.7), dbSNP rs753235418, ClinGen allele CA6398226.
Genomic context (GRCh38, chr12:4,669,813, plus strand): 5'-TCCAAAGGAATTGTTAATGCAGTTAAGGATCCTGATGCCAATGGGAAATCCTTTGCTTTC[G>A]TTGGGTAAGTGCTTAGAGTTTGAATTTTAAATTGTGCTATTATAATGAAGGAATCAATAT-3'
Protein context (NP_004993.1, residues 256-276): PDANGKSFAF[Val266Ile]GPSRYLLFHL

ClinVar aggregate classification (germline): Uncertain significance. Review status: criteria provided, multiple submitters, no conflicts (2 of 4 stars). 2 submissions from 2 submitters: Uncertain significance (2). Last evaluated 2025-01-23.

Allele frequency attached by ClinVar (database versions not stated): ExAC 0.00004; TOPMed 0.00010; gnomAD 0.00013.
gnomAD v4.1: 46 of 1,608,360 alleles (0.0029%); highest among the groups gnomAD compares: African/African-American, 0.031%; no homozygotes.

Submissions (2):

GeneDx
Classification: Uncertain significance. Last evaluated: 2025-01-23. Review status: criteria provided, single submitter. Criteria: GeneDx Variant Classification Process June 2021. Collection method: clinical testing. Allele origin: germline. Affected: yes.
Comment: In silico analysis indicates that this missense variant does not alter protein structure/function; Has not been previously published as pathogenic or benign to our knowledge

Labcorp Genetics (formerly Invitae), Labcorp
Classification: Uncertain significance. Last evaluated: 2024-05-06. Review status: criteria provided, single submitter. Criteria: Invitae Variant Classification Sherloc (09022015). Collection method: clinical testing. Allele origin: germline.
Comment: This sequence change replaces valine, which is neutral and non-polar, with isoleucine, which is neutral and non-polar, at codon 266 of the NDUFA9 protein (p.Val266Ile). This variant is present in population databases (rs753235418, gnomAD 0.03%). This variant has not been reported in the literature in individuals affected with NDUFA9-related conditions. ClinVar contains an entry for this variant (Variation ID: 1712120). An algorithm developed to predict the effect of missense changes on protein structure and function (PolyPhen-2) suggests that this variant is likely to be tolerated. In summary, the available evidence is currently insufficient to determine the role of this variant in disease. Therefore, it has been classified as a Variant of Uncertain Significance.